The following is an entry in ClinVar:

NM_005570.4(LMAN1):c.*1799A>C

Gene: LMAN1 (lectin, mannose binding 1; minus strand). Cytogenetic location: 18q21.32.
Variant type: single nucleotide variant.
Coding change: c.*1799A>C on transcript NM_005570.4 (MANE Select); 1799 bases downstream of the stop codon, A replaced by C.
Molecular consequence: 3 prime UTR variant.
Genome position (GRCh38, 1-based): chr18:59,329,294, T>G on the plus strand (A>C on the coding strand, the complement: LMAN1 is on the minus strand). VCF-style: chr18-59329294-T-G. GRCh37 (hg19) VCF-style: chr18-56996526-T-G.
Identifiers: ClinVar variation 327553 (VCV000327553.6), dbSNP rs1043334, ClinGen allele CA10651199.

ClinVar aggregate classification (germline): Benign. Review status: criteria provided, multiple submitters, no conflicts (2 of 4 stars). 2 submissions from 2 submitters: Benign (2). Last evaluated 2018-01-13.

Conditions:
Factor V and factor VIII, combined deficiency of, type 1. Also called: Combined factor V and VIII deficiency; FAMILIAL MULTIPLE COAGULATION FACTOR DEFICIENCY I; MULTIPLE COAGULATION FACTOR DEFICIENCY I; FMFD I. Identifiers: Orphanet 35909, MedGen C4551981, MONDO:0009206, OMIM 227300.

Allele frequency attached by ClinVar (database versions not stated): 1000 Genomes Project 30x 0.07933; 1000 Genomes Project 0.07608; gnomAD 0.09469 and 0.09774; TOPMed 0.09676.

Submissions (2):

Illumina Laboratory Services, Illumina
Classification: Benign for Factor V and factor VIII, combined deficiency of, type 1. Last evaluated: 2018-01-13. Review status: criteria provided, single submitter. Criteria: ICSL Variant Classification Criteria 13 December 2019. Collection method: clinical testing. Allele origin: germline.
Comment: This variant was observed in the ICSL laboratory as part of a predisposition screen in an ostensibly healthy population. It had not been previously curated by ICSL or reported in the Human Gene Mutation Database (HGMD: prior to June 1st, 2018), and was therefore a candidate for classification through an automated scoring system. Utilizing variant allele frequency, disease prevalence and penetrance estimates, and inheritance mode, an automated score was calculated to assess if this variant is too frequent to cause the disease. Based on the score and internal cut-off values, a variant classified as benign is not then subjected to further curation. The score for this variant resulted in a classification of benign for this disease.

Breakthrough Genomics
Classification: Benign. Review status: criteria provided, single submitter. Criteria: ACMG Guidelines, 2015. Collection method: not provided. Allele origin: germline. Inheritance: Autosomal recessive inheritance. Affected: yes.